The following is an entry in ClinVar:

ClinVar aggregate classification (germline): Uncertain significance. Review status: criteria provided, multiple submitters, no conflicts (2 of 4 stars). 3 submissions from 3 submitters: Uncertain significance (3). Last evaluated 2025-06-11.

Conditions:
Inborn genetic diseases. Identifiers: MedGen C0950123, MeSH D030342.

Allele frequency attached by ClinVar (database versions not stated): TOPMed 0.00007; gnomAD exomes 0.00001; gnomAD 0.00004.
gnomAD v4.1: 21 of 1,613,658 alleles (0.0013%); highest among the groups gnomAD compares: Middle Eastern, 0.016%; no homozygotes.

Submissions (3):

GeneDx
Classification: Uncertain significance. Last evaluated: 2025-06-11. Review status: criteria provided, single submitter. Criteria: GeneDx Variant Classification Process June 2021. Collection method: clinical testing. Allele origin: germline. Affected: yes.
Comment: In silico analysis supports that this missense variant has a deleterious effect on protein structure/function; Has not been previously published as pathogenic or benign to our knowledge

Ambry Genetics
Classification: Uncertain significance for Inborn genetic diseases. Last evaluated: 2023-11-03. Review status: criteria provided, single submitter. Criteria: Ambry Variant Classification Scheme 2023. Collection method: clinical testing. Allele origin: germline.

Labcorp Genetics (formerly Invitae), Labcorp
Classification: Uncertain significance. Last evaluated: 2022-10-17. Review status: criteria provided, single submitter. Criteria: Invitae Variant Classification Sherloc (09022015). Collection method: clinical testing. Allele origin: germline.
Comment: This sequence change replaces arginine, which is basic and polar, with cysteine, which is neutral and slightly polar, at codon 1843 of the PCLO protein (p.Arg1843Cys). This variant is present in population databases (no rsID available, gnomAD 0.003%). This variant has not been reported in the literature in individuals affected with PCLO-related conditions. ClinVar contains an entry for this variant (Variation ID: 1373044). Algorithms developed to predict the effect of missense changes on protein structure and function are either unavailable or do not agree on the potential impact of this missense change (SIFT: "Deleterious"; PolyPhen-2: "Not Available"; Align-GVGD: "Class C0"). In summary, the available evidence is currently insufficient to determine the role of this variant in disease. Therefore, it has been classified as a Variant of Uncertain Significance.

NM_033026.6(PCLO):c.5527C>T (p.Arg1843Cys)

Gene: PCLO (piccolo presynaptic cytomatrix protein; minus strand). Cytogenetic location: 7q21.11.
Variant type: single nucleotide variant.
Coding change: c.5527C>T on transcript NM_033026.6 (MANE Select); coding-DNA position 5527, C replaced by T.
Protein change: p.Arg1843Cys; replaces arginine 1843 with cysteine.
Molecular consequence: missense variant.
Genome position (GRCh38, 1-based): chr7:82,955,426, G>A on the plus strand (C>T on the coding strand, the complement: PCLO is on the minus strand). VCF-style: chr7-82955426-G-A. GRCh37 (hg19) VCF-style: chr7-82584742-G-A.
Other names: c.5527C>T, p.Arg1843Cys (NM_014510.3); c.5527C>T (NM_033026.5); short protein forms R1843C.
Identifiers: ClinVar variation 1373044 (VCV001373044.5), dbSNP rs934051413, ClinGen allele CA161150155.